The following is an entry in ClinVar:

ClinVar aggregate classification (germline): Uncertain significance (1 of 4 stars; one submission).

Submission:

Labcorp Genetics (formerly Invitae), Labcorp
Classification: Uncertain significance. Last evaluated: 2022-12-02. Review status: criteria provided, single submitter. Criteria: Invitae Variant Classification Sherloc (09022015). Collection method: clinical testing. Allele origin: germline.
Comment: This variant has not been reported in the literature in individuals affected with PLEKHM2-related conditions. This variant is not present in population databases (gnomAD no frequency). This sequence change replaces aspartic acid, which is acidic and polar, with glutamic acid, which is acidic and polar, at codon 254 of the PLEKHM2 protein (p.Asp254Glu). ClinVar contains an entry for this variant (Variation ID: 1720831). In summary, the available evidence is currently insufficient to determine the role of this variant in disease. Therefore, it has been classified as a Variant of Uncertain Significance. Algorithms developed to predict the effect of missense changes on protein structure and function (SIFT, PolyPhen-2, Align-GVGD) all suggest that this variant is likely to be tolerated.

NM_015164.4(PLEKHM2):c.762C>A (p.Asp254Glu)

Gene: PLEKHM2 (pleckstrin homology and RUN domain containing M2; plus strand). Cytogenetic location: 1p36.21.
Variant type: single nucleotide variant.
Coding change: c.762C>A on transcript NM_015164.4 (MANE Select); coding-DNA position 762, C replaced by A.
Protein change: p.Asp254Glu; replaces aspartic acid 254 with glutamic acid.
Molecular consequence: missense variant.
Genome position (GRCh38, 1-based): chr1:15,725,366, C>A. VCF-style: chr1-15725366-C-A. GRCh37 (hg19) VCF-style: chr1-16051861-C-A.
Other names: c.702C>A, p.Asp234Glu (NM_001410755.1); short protein forms D234E, D254E.
Identifiers: ClinVar variation 1720831 (VCV001720831.5), dbSNP rs1206114336, ClinGen allele CA338582781.
Genomic context (GRCh38, chr1:15,725,366, plus strand): 5'-TGTCCTCCCAGATGGAGACCTCACAGACACGGTCAGTGGTCCCCGCTCCACAGCCTCCGA[C>A]CTGACCAGCAGCAAGGCCTCCACCAGGAGCCCCACCCAGCGCCAGAACCCCTTCAACGAG-3'
Protein context (NP_055979.2, residues 244-264): TVSGPRSTAS[Asp254Glu]LTSSKASTRS